The following is an entry in ClinVar:

ClinVar aggregate classification (germline): Uncertain significance (1 of 4 stars; one submission).

Conditions:
Kabuki syndrome. Also called: Kabuki make-up syndrome; NIIKAWA-KUROKI SYNDROME. Identifiers: Orphanet 2322, MedGen C0796004, MONDO:0016512.

Allele frequency attached by ClinVar (database versions not stated): TOPMed below 0.00001; gnomAD 0.00001.
gnomAD v4.1: 1 of 1,526,896 alleles (0.000065%); highest among the groups gnomAD compares: Non-Finnish European, 0.000088%; no homozygotes.

Submission:

Labcorp Genetics (formerly Invitae), Labcorp
Classification: Uncertain significance for Kabuki syndrome. Last evaluated: 2023-09-01. Review status: criteria provided, single submitter. Criteria: Invitae Variant Classification Sherloc (09022015). Collection method: clinical testing. Allele origin: germline.
Comment: This sequence change replaces glycine, which is neutral and non-polar, with serine, which is neutral and polar, at codon 2213 of the KMT2D protein (p.Gly2213Ser). This variant is not present in population databases (gnomAD no frequency). In summary, the available evidence is currently insufficient to determine the role of this variant in disease. Therefore, it has been classified as a Variant of Uncertain Significance. Advanced modeling of protein sequence and biophysical properties (such as structural, functional, and spatial information, amino acid conservation, physicochemical variation, residue mobility, and thermodynamic stability) performed at Invitae indicates that this missense variant is not expected to disrupt KMT2D protein function. This variant has not been reported in the literature in individuals affected with KMT2D-related conditions.

NM_003482.4(KMT2D):c.6637G>A (p.Gly2213Ser)

Gene: KMT2D (lysine methyltransferase 2D; minus strand). Cytogenetic location: 12q13.12.
Variant type: single nucleotide variant.
Coding change: c.6637G>A on transcript NM_003482.4 (MANE Select); coding-DNA position 6637, G replaced by A.
Protein change: p.Gly2213Ser; replaces glycine 2213 with serine.
Molecular consequence: missense variant.
Genome position (GRCh38, 1-based): chr12:49,041,133, C>T on the plus strand (G>A on the coding strand, the complement: KMT2D is on the minus strand). VCF-style: chr12-49041133-C-T. GRCh37 (hg19) VCF-style: chr12-49434916-C-T.
Other names: short protein forms G2213S.
Identifiers: ClinVar variation 2816027 (VCV002816027.3), dbSNP rs1943502957, ClinGen allele CA384750218.